The following is an entry in ClinVar:

ClinVar aggregate classification (germline): Uncertain significance. Review status: criteria provided, multiple submitters, no conflicts (2 of 4 stars). 2 submissions from 2 submitters: Uncertain significance (2). Last evaluated 2018-08-21.

Conditions:
Pyruvate kinase deficiency of red cells (CNSHA2). Also called: PK DEFICIENCY; PYRUVATE KINASE DEFICIENCY OF ERYTHROCYTE; Pyruvate kinase deficiency, Amish type. Identifiers: Orphanet 766, MedGen C0340968, MONDO:0009950, OMIM 266200.

Allele frequency attached by ClinVar (database versions not stated): TOPMed 0.00001; gnomAD 0.00002; gnomAD exomes 0.00003; ExAC 0.00004.
gnomAD v4.1: 50 of 1,613,894 alleles (0.0031%); highest among the groups gnomAD compares: Admixed American, 0.0067%; no homozygotes.

Submissions (2):

Baylor Genetics
Classification: Uncertain significance for Pyruvate kinase deficiency of red cells. Last evaluated: 2018-08-21. Review status: criteria provided, single submitter. Criteria: ACMG Guidelines, 2015. Collection method: clinical testing. Allele origin: unknown. Affected: yes.
Comment: This variant was determined to be of uncertain significance according to ACMG Guidelines, 2015 [PMID:25741868].

Illumina Laboratory Services, Illumina
Classification: Uncertain significance for Pyruvate kinase deficiency of red cells. Last evaluated: 2018-01-12. Review status: criteria provided, single submitter. Criteria: ICSL Variant Classification Criteria 13 December 2019. Collection method: clinical testing. Allele origin: germline.

NM_000298.6(PKLR):c.727G>A (p.Gly243Ser)

Gene: PKLR (pyruvate kinase L/R; minus strand). Cytogenetic location: 1q22.
Variant type: single nucleotide variant.
Coding change: c.727G>A on transcript NM_000298.6 (MANE Select); coding-DNA position 727, G replaced by A.
Protein change: p.Gly243Ser; replaces glycine 243 with serine.
Molecular consequence: missense variant.
Genome position (GRCh38, 1-based): chr1:155,294,720, C>T on the plus strand (G>A on the coding strand, the complement: PKLR is on the minus strand). VCF-style: chr1-155294720-C-T. GRCh37 (hg19) VCF-style: chr1-155264511-C-T.
Other names: c.727G>A, p.Gly243Ser (LRG_1136t1); c.634G>A, p.Gly212Ser (NM_181871.4); short protein forms G243S, G212S.
Identifiers: ClinVar variation 292813 (VCV000292813.6), dbSNP rs745797890, ClinGen allele CA1144226.